The following is an entry in ClinVar:

NM_004329.3(BMPR1A):c.703C>G (p.Gln235Glu)

Gene: BMPR1A (bone morphogenetic protein receptor type 1A; plus strand). Cytogenetic location: 10q23.2.
Variant type: single nucleotide variant.
Coding change: c.703C>G on transcript NM_004329.3 (MANE Select); coding-DNA position 703, C replaced by G.
Protein change: p.Gln235Glu; replaces glutamine 235 with glutamic acid.
Molecular consequence: missense variant.
Genome position (GRCh38, 1-based): chr10:86,917,161, C>G. VCF-style: chr10-86917161-C-G. GRCh37 (hg19) VCF-style: chr10-88676918-C-G.
Other names: short protein forms Q235E.
Identifiers: ClinVar variation 529901 (VCV000529901.17), dbSNP rs1554890745, ClinGen allele CA377457082.

ClinVar aggregate classification (germline): Uncertain significance. Review status: criteria provided, multiple submitters, no conflicts (2 of 4 stars). 3 submissions from 3 submitters: Uncertain significance (3). Last evaluated 2025-11-17.

Conditions:
Polyposis syndrome, hereditary mixed, 2. Identifiers: Orphanet 157794, MedGen C1864730, MONDO:0012405, OMIM 610069.
Juvenile polyposis syndrome (JPS). Identifiers: Orphanet 2929, MedGen C0345893, MONDO:0017380, OMIM 174900.
Hereditary cancer-predisposing syndrome. Also called: Neoplastic Syndromes, Hereditary; Hereditary neoplastic syndrome; Tumor predisposition; Hereditary Cancer Syndrome. Identifiers: Orphanet 140162, MedGen C0027672, MeSH D009386, MONDO:0015356.

Allele frequency attached by ClinVar (database versions not stated): gnomAD exomes below 0.00001.
gnomAD v4.1: 1 of 1,614,000 alleles (0.000062%); highest among the groups gnomAD compares: Non-Finnish European, 0.000085%; no homozygotes.

Submissions (3):

Labcorp Genetics (formerly Invitae), Labcorp
Classification: Uncertain significance for Juvenile polyposis syndrome. Last evaluated: 2025-11-17. Review status: criteria provided, single submitter. Criteria: Invitae Variant Classification Sherloc (09022015). Collection method: clinical testing. Allele origin: germline.
Comment: This sequence change replaces glutamine, which is neutral and polar, with glutamic acid, which is acidic and polar, at codon 235 of the BMPR1A protein (p.Gln235Glu). This variant is not present in population databases (gnomAD no frequency). This variant has not been reported in the literature in individuals affected with BMPR1A-related conditions. ClinVar contains an entry for this variant (Variation ID: 529901). Invitae Evidence Modeling of protein sequence and biophysical properties (such as structural, functional, and spatial information, amino acid conservation, physicochemical variation, residue mobility, and thermodynamic stability) indicates that this missense variant is not expected to disrupt BMPR1A protein function with a negative predictive value of 80%. In summary, the available evidence is currently insufficient to determine the role of this variant in disease. Therefore, it has been classified as a Variant of Uncertain Significance.

Baylor Genetics
Classification: Uncertain significance for Polyposis syndrome, hereditary mixed, 2. Last evaluated: 2023-12-09. Review status: criteria provided, single submitter. Criteria: ACMG Guidelines, 2015. Collection method: clinical testing. Allele origin: unknown.

Ambry Genetics
Classification: Uncertain significance for Hereditary cancer-predisposing syndrome. Last evaluated: 2023-01-31. Review status: criteria provided, single submitter. Criteria: Ambry Variant Classification Scheme 2023. Collection method: clinical testing. Allele origin: germline.
Comment: The p.Q235E variant (also known as c.703C>G), located in coding exon 7 of the BMPR1A gene, results from a C to G substitution at nucleotide position 703. The glutamine at codon 235 is replaced by glutamic acid, an amino acid with highly similar properties. This amino acid position is highly conserved in available vertebrate species. In addition, the in silico prediction for this alteration is inconclusive. Since supporting evidence is limited at this time, the clinical significance of this alteration remains unclear.